The following is an entry in ClinVar:

ClinVar aggregate classification (germline): Pathogenic (1 of 4 stars; one submission).

Allele frequency attached by ClinVar (database versions not stated): gnomAD exomes below 0.00001; ExAC 0.00001; gnomAD 0.00001.
gnomAD v4.1: 7 of 1,614,094 alleles (0.00043%); highest among the groups gnomAD compares: Non-Finnish European, 0.00059%; no homozygotes.

Submission:

Labcorp Genetics (formerly Invitae), Labcorp
Classification: Pathogenic. Last evaluated: 2024-03-14. Review status: criteria provided, single submitter. Criteria: Invitae Variant Classification Sherloc (09022015). Collection method: clinical testing. Allele origin: germline.
Comment: This sequence change creates a premature translational stop signal (p.Trp2479*) in the TG gene. It is expected to result in an absent or disrupted protein product. Loss-of-function variants in TG are known to be pathogenic (PMID: 19837936, 23164529). This variant is present in population databases (rs772956775, gnomAD 0.002%). This variant has not been reported in the literature in individuals affected with TG-related conditions. For these reasons, this variant has been classified as Pathogenic.

Literature cited by the submitters: PubMed 19837936; PubMed 23164529.

NM_003235.5(TG):c.7437G>A (p.Trp2479Ter)

Genes: TG (thyroglobulin; plus strand), SLA (Src like adaptor; minus strand). Cytogenetic location: 8q24.22.
Variant type: single nucleotide variant.
Coding change: c.7437G>A on transcript NM_003235.5 (MANE Select); coding-DNA position 7437, G replaced by A.
Protein change: p.Trp2479Ter; replaces tryptophan 2479 with a stop codon.
Molecular consequence: nonsense. On other transcripts: intron variant (4).
Genome position (GRCh38, 1-based): chr8:133,096,238, G>A. VCF-style: chr8-133096238-G-A. GRCh37 (hg19) VCF-style: chr8-134108482-G-A.
Other names: c.-264+6315C>T (NM_001282965.2); c.11+6315C>T (NM_001282964.2, NM_001045557.3); c.-319+6315C>T (NM_001045556.3); short protein forms W2479*.
Identifiers: ClinVar variation 2813373 (VCV002813373.3), dbSNP rs772956775, ClinGen allele CA4885647.